The following is an entry in ClinVar:

ClinVar aggregate classification (germline): Uncertain significance (1 of 4 stars; one submission).

Conditions:
Congenital primary aphakia. Also called: ANTERIOR SEGMENT DYSGENESIS 2; Anterior segment dysgenesis 2, multiple subtypes. Identifiers: Orphanet 83461, MedGen C1853230, MONDO:0012456, OMIM 610256.
Anterior segment dysgenesis. Also called: Ocular anterior segment dysgenesis. Identifiers: Orphanet 88632, MedGen C1862839, MONDO:0019503, HP:0007700.

Allele frequency attached by ClinVar (database versions not stated): gnomAD 0.00001; gnomAD exomes 0.00001.

Submission:

Labcorp Genetics (formerly Invitae), Labcorp
Classification: Uncertain significance for Anterior segment dysgenesis; Congenital primary aphakia. Last evaluated: 2022-02-04. Review status: criteria provided, single submitter. Criteria: Invitae Variant Classification Sherloc (09022015). Collection method: clinical testing. Allele origin: germline.
Comment: This variant is present in population databases (no rsID available, gnomAD 0.08%). This sequence change replaces serine, which is neutral and polar, with arginine, which is basic and polar, at codon 221 of the FOXE3 protein (p.Ser221Arg). This variant has not been reported in the literature in individuals affected with FOXE3-related conditions. In summary, the available evidence is currently insufficient to determine the role of this variant in disease. Therefore, it has been classified as a Variant of Uncertain Significance. Algorithms developed to predict the effect of missense changes on protein structure and function output the following: SIFT: "Deleterious"; PolyPhen-2: "Benign"; Align-GVGD: "Class C0". The arginine amino acid residue is found in multiple mammalian species, which suggests that this missense change does not adversely affect protein function. ClinVar contains an entry for this variant (Variation ID: 1060316).

NM_012186.3(FOXE3):c.663C>G (p.Ser221Arg)

Genes: FOXE3 (forkhead box E3; plus strand), LINC01389 (long independently transcribed non-coding RNA 1389; minus strand). Cytogenetic location: 1p33.
Variant type: single nucleotide variant.
Coding change: c.663C>G on transcript NM_012186.3 (MANE Select); coding-DNA position 663, C replaced by G.
Protein change: p.Ser221Arg; replaces serine 221 with arginine.
Molecular consequence: missense variant.
Genome position (GRCh38, 1-based): chr1:47,416,978, C>G. VCF-style: chr1-47416978-C-G. GRCh37 (hg19) VCF-style: chr1-47882650-C-G.
Other names: short protein forms S221R.
Identifiers: ClinVar variation 1060316 (VCV001060316.9), dbSNP rs1304716566, ClinGen allele CA340250446.